The following is an entry in ClinVar:

NM_000059.4(BRCA2):c.1472C>A (p.Thr491Asn)

Gene: BRCA2 (BRCA2 DNA repair associated; plus strand). Cytogenetic location: 13q13.1.
Variant type: single nucleotide variant.
Coding change: c.1472C>A on transcript NM_000059.4 (MANE Select); coding-DNA position 1472, C replaced by A.
Protein change: p.Thr491Asn; replaces threonine 491 with asparagine.
Molecular consequence: missense variant. On other transcripts: non-coding transcript variant (1), intron variant (1).
Genome position (GRCh38, 1-based): chr13:32,332,950, C>A. VCF-style: chr13-32332950-C-A. GRCh37 (hg19) VCF-style: chr13-32907087-C-A.
Other names: c.1472C>A, p.Thr491Asn (NM_001406719.1, NM_001406720.1, NM_001406721.1 and 1 more transcripts); c.424+1920C>A (NM_001406722.1); short protein forms T491N.
Identifiers: ClinVar variation 3636426 (VCV003636426.2).
Genomic context (GRCh38, chr13:32,332,950, plus strand): 5'-AGCAGCATCTTGAATCTCATACAGACTGCATTCTTGCAGTAAAGCAGGCAATATCTGGAA[C>A]TTCTCCAGTGGCTTCTTCATTTCAGGGTATCAAAAAGTCTATATTCAGAATAAGAGAATC-3'
Protein context (NP_000050.3, residues 481-501): ILAVKQAISG[Thr491Asn]SPVASSFQGI

ClinVar aggregate classification (germline): Uncertain significance (1 of 4 stars; one submission).

Conditions:
Hereditary breast ovarian cancer syndrome. Also called: Hereditary breast and ovarian cancer syndrome; Hereditary breast and ovarian cancer syndrome (HBOC); BRCA1- and BRCA2-Associated Hereditary Breast and Ovarian Cancer; Hereditary breast and ovarian cancer; Breast and ovarian cancer; Hereditary breast and/or ovarian cancer syndrome. Identifiers: Orphanet 145, MedGen C0677776, MeSH D061325, MONDO:0003582. Disease mechanism: loss of function.

Submission:

Labcorp Genetics (formerly Invitae), Labcorp
Classification: Uncertain significance for Hereditary breast ovarian cancer syndrome. Last evaluated: 2024-09-03. Review status: criteria provided, single submitter. Criteria: Invitae Variant Classification Sherloc (09022015). Collection method: clinical testing. Allele origin: germline.
Comment: This sequence change replaces threonine, which is neutral and polar, with asparagine, which is neutral and polar, at codon 491 of the BRCA2 protein (p.Thr491Asn). This variant is not present in population databases (gnomAD no frequency). This variant has not been reported in the literature in individuals affected with BRCA2-related conditions. Invitae Evidence Modeling of protein sequence and biophysical properties (such as structural, functional, and spatial information, amino acid conservation, physicochemical variation, residue mobility, and thermodynamic stability) indicates that this missense variant is not expected to disrupt BRCA2 protein function with a negative predictive value of 95%. In summary, the available evidence is currently insufficient to determine the role of this variant in disease. Therefore, it has been classified as a Variant of Uncertain Significance.